The following is an entry in ClinVar:

ClinVar aggregate classification (germline): Likely benign (1 of 4 stars; one submission).

Allele frequency attached by ClinVar (database versions not stated): 1000 Genomes Project 30x 0.00016; 1000 Genomes Project 0.00020; TOPMed 0.00133; gnomAD 0.00142; ESP Exome Variant Server 0.00146; ExAC 0.00203; gnomAD exomes 0.00260.
gnomAD v4.1: 3,938 of 1,609,742 alleles (0.24%); highest among the groups gnomAD compares: Non-Finnish European, 0.32%; 7 homozygotes.

Submission:

CeGaT Center for Human Genetics Tuebingen
Classification: Likely benign. Last evaluated: 2022-05-01. Review status: criteria provided, single submitter. Criteria: CeGaT Center For Human Genetics Tuebingen Variant Classification Criteria Version 2. Collection method: clinical testing. Allele origin: germline. Affected: yes. Observed: 1 variant allele.
Comment: CPNE7: BP4, BP7

NM_153636.3(CPNE7):c.678A>G (p.Leu226=)

Gene: CPNE7 (copine 7; plus strand). Cytogenetic location: 16q24.3.
Variant type: single nucleotide variant.
Coding change: c.678A>G on transcript NM_153636.3 (MANE Select); coding-DNA position 678, A replaced by G.
Protein change: p.Leu226=; no amino-acid change (leucine 226 retained).
Molecular consequence: synonymous variant.
Genome position (GRCh38, 1-based): chr16:89,585,550, A>G. VCF-style: chr16-89585550-A-G. GRCh37 (hg19) VCF-style: chr16-89651958-A-G.
Other names: c.903A>G, p.Leu301= (NM_014427.5).
Identifiers: ClinVar variation 2647115 (VCV002647115.24), dbSNP rs138283447, ClinGen allele CA8245423.
Genomic context (GRCh38, chr16:89,585,550, plus strand): 5'-GTGGGAGGCCTTCAAAGTCTCTCTGAGTTCCCTCTGCAGCTGCGAGGAGACAAGGCCTCT[A>G]AAGGTGGGGGACGGGATGGACCAAGGGGGCAGTGAGGGGGTGGCCTGGATGTGGGCTGCG-3'
Protein context (NP_705900.1, residues 216-236): SLCSCEETRP[Leu226=]KCLVWDYDSR